The following is an entry in ClinVar:

ClinVar aggregate classification (germline): Uncertain significance (1 of 4 stars; one submission).

Allele frequency attached by ClinVar (database versions not stated): gnomAD exomes below 0.00001; TOPMed below 0.00001.

Submission:

Labcorp Genetics (formerly Invitae), Labcorp
Classification: Uncertain significance. Last evaluated: 2025-07-21. Review status: criteria provided, single submitter. Criteria: Invitae Variant Classification Sherloc (09022015). Collection method: clinical testing. Allele origin: germline.
Comment: This sequence change replaces leucine, which is neutral and non-polar, with phenylalanine, which is neutral and non-polar, at codon 9 of the RPL35 protein (p.Leu9Phe). This variant is present in population databases (no rsID available, gnomAD 0.003%). This variant has not been reported in the literature in individuals affected with RPL35-related conditions. ClinVar contains an entry for this variant (Variation ID: 2788128). An algorithm developed to predict the effect of missense changes on protein structure and function (PolyPhen-2) suggests that this variant is likely to be disruptive. In summary, the available evidence is currently insufficient to determine the role of this variant in disease. Therefore, it has been classified as a Variant of Uncertain Significance.

NM_007209.4(RPL35):c.25C>T (p.Leu9Phe)

Gene: RPL35 (ribosomal protein L35; minus strand). Cytogenetic location: 9q33.3.
Variant type: single nucleotide variant.
Coding change: c.25C>T on transcript NM_007209.4 (MANE Select); coding-DNA position 25, C replaced by T.
Protein change: p.Leu9Phe; replaces leucine 9 with phenylalanine.
Molecular consequence: missense variant.
Genome position (GRCh38, 1-based): chr9:124,861,534, G>A on the plus strand (C>T on the coding strand, the complement: RPL35 is on the minus strand). VCF-style: chr9-124861534-G-A. GRCh37 (hg19) VCF-style: chr9-127623813-G-A.
Other names: short protein forms L9F.
Identifiers: ClinVar variation 2788128 (VCV002788128.3), dbSNP rs1367396449, ClinGen allele CA374887658.
Genomic context (GRCh38, chr9:124,861,534, plus strand): 5'-ACAGCTCCACCTTCAGGTCGTCCAGCTGTTTCAGCAGCTCCTCCTTCTTCTTCCCGCGAA[G>A]ATCTCGAGCCTTGATCTTGGCCTGCGCGCAAGAGAGAGTGTGCCTCAGCCAGGCCGCGGG-3'
Protein context (NP_009140.1, residues 1-19): MAKIKARD[Leu9Phe]RGKKKEELLK